The following is an entry in ClinVar:

ClinVar aggregate classification (germline): Uncertain significance (1 of 4 stars; one submission).

Allele frequency attached by ClinVar (database versions not stated): gnomAD 0.00001; TOPMed 0.00001.
gnomAD v4.1: 17 of 1,613,292 alleles (0.0011%); highest among the groups gnomAD compares: Middle Eastern, 0.033%; no homozygotes.

Submission:

Labcorp Genetics (formerly Invitae), Labcorp
Classification: Uncertain significance. Last evaluated: 2022-03-13. Review status: criteria provided, single submitter. Criteria: Invitae Variant Classification Sherloc (09022015). Collection method: clinical testing. Allele origin: germline.
Comment: This sequence change affects codon 413 of the PLVAP mRNA. It is a 'silent' change, meaning that it does not change the encoded amino acid sequence of the PLVAP protein. It affects a nucleotide within the consensus splice site. In summary, the available evidence is currently insufficient to determine the role of this variant in disease. Therefore, it has been classified as a Variant of Uncertain Significance. Algorithms developed to predict the effect of sequence changes on RNA splicing suggest that this variant is not likely to affect RNA splicing. This variant has not been reported in the literature in individuals affected with PLVAP-related conditions. This variant is present in population databases (rs746916181, gnomAD 0.0009%).

NM_031310.3(PLVAP):c.1239C>T (p.Ile413=)

Gene: PLVAP (plasmalemma vesicle associated protein; minus strand). Cytogenetic location: 19p13.11.
Variant type: single nucleotide variant.
Coding change: c.1239C>T on transcript NM_031310.3 (MANE Select); coding-DNA position 1239, C replaced by T.
Protein change: p.Ile413=; no amino-acid change (isoleucine 413 retained).
Molecular consequence: synonymous variant.
Genome position (GRCh38, 1-based): chr19:17,360,773, G>A on the plus strand (C>T on the coding strand, the complement: PLVAP is on the minus strand). VCF-style: chr19-17360773-G-A. GRCh37 (hg19) VCF-style: chr19-17471582-G-A.
Identifiers: ClinVar variation 2177259 (VCV002177259.2), dbSNP rs746916181, ClinGen allele CA9293841.